The following is an entry in ClinVar:

NM_002225.5(IVD):c.1076G>T (p.Gly359Val)

Gene: IVD (isovaleryl-CoA dehydrogenase; plus strand). Cytogenetic location: 15q15.1.
Variant type: single nucleotide variant.
Coding change: c.1076G>T on transcript NM_002225.5 (MANE Select); coding-DNA position 1076, G replaced by T.
Protein change: p.Gly359Val; replaces glycine 359 with valine.
Molecular consequence: missense variant. On other transcripts: non-coding transcript variant (1).
Genome position (GRCh38, 1-based): chr15:40,416,300, G>T. VCF-style: chr15-40416300-G-T. GRCh37 (hg19) VCF-style: chr15-40708499-G-T.
Other names: c.986G>T, p.Gly329Val (NM_001159508.3); c.1028G>T, p.Gly343Val (NM_001354597.3); c.1076G>T, p.Gly359Val (NM_001354598.3, NM_001354601.3); c.1163G>T, p.Gly388Val (NM_001354599.3, NM_001354600.3); short protein forms G329V, G343V, G359V, G388V.
Identifiers: ClinVar variation 5003202 (VCV005003202.1).

ClinVar aggregate classification (germline): Uncertain significance (1 of 4 stars; one submission).

Conditions:
Isovaleryl-CoA dehydrogenase deficiency (IVA). Also called: Classic Isovaleric Acidemia; Isovaleric acidemia; ISOVALERIC ACID CoA DEHYDROGENASE DEFICIENCY; IVD DEFICIENCY. Identifiers: Orphanet 33, MedGen C0268575, MONDO:0009475, OMIM 243500.

gnomAD v4.1: 1 of 1,614,252 alleles (0.000062%); highest among the groups gnomAD compares: Non-Finnish European, 0.000085%; no homozygotes.

Submission:

Myriad Genetics, Inc.
Classification: Uncertain significance for Isovaleryl-CoA dehydrogenase deficiency. Last evaluated: 2026-02-05. Review status: criteria provided, single submitter. Criteria: Myriad Autosomal Dominant, Autosomal Recessive and X-Linked Classification Criteria (2023). Collection method: clinical testing. Allele origin: unknown.
Comment: NM_002225.3(IVD):c.1085G>T(G362V) is a missense variant classified as a variant of uncertain significance in the context of isovaleric acidemia. G362V has been observed in a case with relevant disease (PMID: 23063737). Relevant functional assessments of this variant are not available in the literature. G362V has not been observed in referenced population frequency databases. In summary, there is insufficient evidence to classify NM_002225.3(IVD):c.1085G>T(G362V) as pathogenic or benign. Please note: this variant was assessed in the context of healthy population screening.

Literature cited by the submitters: PubMed 23063737.